The following is an entry in ClinVar:

ClinVar aggregate classification (germline): Uncertain significance (1 of 4 stars; one submission).

gnomAD v4.1: 11 of 1,570,714 alleles (0.0007%); highest among the groups gnomAD compares: East Asian, 0.012%; no homozygotes.

Submission:

Labcorp Genetics (formerly Invitae), Labcorp
Classification: Uncertain significance. Last evaluated: 2024-11-18. Review status: criteria provided, single submitter. Criteria: Invitae Variant Classification Sherloc (09022015). Collection method: clinical testing. Allele origin: germline.
Comment: This sequence change replaces valine, which is neutral and non-polar, with methionine, which is neutral and non-polar, at codon 128 of the VAC14 protein (p.Val128Met). This variant is not present in population databases (gnomAD no frequency). This variant has not been reported in the literature in individuals affected with VAC14-related conditions. ClinVar contains an entry for this variant (Variation ID: 1521538). Invitae Evidence Modeling of protein sequence and biophysical properties (such as structural, functional, and spatial information, amino acid conservation, physicochemical variation, residue mobility, and thermodynamic stability) indicates that this missense variant is not expected to disrupt VAC14 protein function with a negative predictive value of 80%. In summary, the available evidence is currently insufficient to determine the role of this variant in disease. Therefore, it has been classified as a Variant of Uncertain Significance.

NM_018052.5(VAC14):c.382G>A (p.Val128Met)

Gene: VAC14 (VAC14 component of PIKFYVE complex; minus strand). Cytogenetic location: 16q22.1.
Variant type: single nucleotide variant.
Coding change: c.382G>A on transcript NM_018052.5 (MANE Select); coding-DNA position 382, G replaced by A.
Protein change: p.Val128Met; replaces valine 128 with methionine.
Molecular consequence: missense variant. On other transcripts: 5 prime UTR variant (1).
Genome position (GRCh38, 1-based): chr16:70,785,743, C>T on the plus strand (G>A on the coding strand, the complement: VAC14 is on the minus strand). VCF-style: chr16-70785743-C-T. GRCh37 (hg19) VCF-style: chr16-70819646-C-T.
Other names: c.-321G>A (NM_001351157.2); short protein forms V128M.
Identifiers: ClinVar variation 1521538 (VCV001521538.8), dbSNP rs2034020872, ClinGen allele CA396612054.
Genomic context (GRCh38, chr16:70,785,743, plus strand): 5'-GGAGGAGGAGGGCGGTTACCTTGCTCAGCCCGTCAAAGAGCACGTTGAAGTGGGGCAGCA[C>T]AGCGCCCCGGGCCACCTTGACGATGTTGTAGAGGGCCTCGCAGGCATAGTAGCGCAGCCT-3'
Protein context (NP_060522.3, residues 118-138): YNIVKVARGA[Val128Met]LPHFNVLFDG